The following is an entry in ClinVar:

NM_005591.4(MRE11):c.1480G>A (p.Glu494Lys)

Gene: MRE11 (MRE11 double strand break repair nuclease; minus strand). Cytogenetic location: 11q21.
Variant type: single nucleotide variant.
Coding change: c.1480G>A on transcript NM_005591.4 (MANE Select); coding-DNA position 1480, G replaced by A.
Protein change: p.Glu494Lys; replaces glutamic acid 494 with lysine.
Molecular consequence: missense variant.
Genome position (GRCh38, 1-based): chr11:94,459,428, C>T on the plus strand (G>A on the coding strand, the complement: MRE11 is on the minus strand). VCF-style: chr11-94459428-C-T. GRCh37 (hg19) VCF-style: chr11-94192594-C-T.
Other names: c.1480G>A, p.Glu494Lys (NM_001330347.2, NM_005590.4); short protein forms E494K.
Identifiers: ClinVar variation 127030 (VCV000127030.72), dbSNP rs104895016, ClinGen allele CA230753.

ClinVar aggregate classification (germline): Conflicting classifications of pathogenicity. Review status: criteria provided, conflicting classifications (1 of 4 stars). 13 submissions from 13 submitters: Uncertain significance (5); Benign (1); Likely benign (5). 2 of the submissions do not count toward it. Last evaluated 2026-09-24.

Conditions:
Ataxia-telangiectasia-like disorder (ATLD). Identifiers: MedGen C1858391, MONDO:0011457.
MRE11-related disorder. Also called: MRE11-related condition.
Hereditary cancer-predisposing syndrome. Also called: Tumor predisposition; Hereditary neoplastic syndrome; Neoplastic Syndromes, Hereditary; Hereditary Cancer Syndrome. Identifiers: Orphanet 140162, MedGen C0027672, MeSH D009386, MONDO:0015356.
Ataxia-telangiectasia-like disorder 1 (ATLD1). Identifiers: Orphanet 251347, MedGen C4012790, MONDO:0024557, OMIM 604391.

Allele frequency attached by ClinVar (database versions not stated): ESP Exome Variant Server 0.00015; 1000 Genomes Project 30x 0.00016; 1000 Genomes Project 0.00020; TOPMed 0.00020; gnomAD 0.00032; gnomAD exomes 0.00047 and 0.00051; ExAC 0.00059.
gnomAD v4.1: 789 of 1,613,872 alleles (0.049%); highest among the groups gnomAD compares: South Asian, 0.079%; 1 homozygote.

Submissions (13):

PreventionGenetics, part of Exact Sciences
Classification: Likely benign for MRE11-related condition. Last evaluated: 2026-09-24. Review status: criteria provided, single submitter. Criteria: ACMG Guidelines, 2015. Collection method: clinical testing. Allele origin: germline.
Comment: This variant is classified as likely benign based on ACMG/AMP sequence variant interpretation guidelines (Richards et al. 2015 PMID: 25741868, with internal and published modifications).

Labcorp Genetics (formerly Invitae), Labcorp
Classification: Likely benign for Ataxia-telangiectasia-like disorder. Last evaluated: 2025-11-10. Review status: criteria provided, single submitter. Criteria: Invitae Variant Classification Sherloc (09022015). Collection method: clinical testing. Allele origin: germline.

GeneDx
Classification: Uncertain significance. Last evaluated: 2025-05-27. Review status: criteria provided, single submitter. Criteria: GeneDx Variant Classification Process June 2021. Collection method: clinical testing. Allele origin: germline. Affected: yes.
Comment: In silico analysis suggests that this missense variant does not alter protein structure/function; Observed in individuals with breast cancer and present only in controls in a study of common variable immunodeficiency (CVID) (PMID: 26898890, 25452441, 20805886); This variant is associated with the following publications: (PMID: 25452441, 26898890, 25344691, 20805886, 38878505)

Blueprint Genetics
Classification: Uncertain significance. Last evaluated: 2024-11-20. Review status: criteria provided, single submitter. Criteria: ACMG Guidelines, 2015. Collection method: clinical testing. Allele origin: germline.

Ambry Genetics
Classification: Likely benign for Hereditary cancer-predisposing syndrome. Last evaluated: 2023-01-13. Review status: criteria provided, single submitter. Criteria: Ambry Variant Classification Scheme 2023. Collection method: clinical testing. Allele origin: germline.

Sema4
Classification: Likely benign for Hereditary cancer-predisposing syndrome. Last evaluated: 2020-12-17. Review status: criteria provided, single submitter. Criteria: Sema4 Curation Guidelines. Collection method: curation. Allele origin: germline.

Athena Diagnostics
Classification: Likely benign. Last evaluated: 2020-07-15. Review status: criteria provided, single submitter. Criteria: Athena Diagnostics Criteria. Collection method: clinical testing. Allele origin: unknown.

CeGaT Center for Human Genetics Tuebingen
Classification: Uncertain significance. Last evaluated: 2019-08-01. Review status: criteria provided, single submitter. Criteria: CeGaT Center For Human Genetics Tuebingen Variant Classification Criteria Version 2. Collection method: clinical testing. Allele origin: germline. Affected: yes. Observed: 1 variant allele.

Fulgent Genetics
Classification: Uncertain significance for Ataxia-telangiectasia-like disorder 1. Last evaluated: 2018-10-31. Review status: criteria provided, single submitter. Criteria: ACMG Guidelines, 2015. Collection method: clinical testing. Allele origin: unknown.

Women's Health and Genetics/Laboratory Corporation of America, LabCorp
Classification: Benign. Last evaluated: 2018-02-16. Review status: criteria provided, single submitter. Criteria: LabCorp Variant Classification Summary - May 2015. Collection method: clinical testing. Allele origin: germline.
Comment: Variant summary: MRE11A c.1480G>A (p.Glu494Lys) results in a conservative amino acid change located in the outside of any known domain or repeat of the encoded protein sequence. Three of five in-silico tools predict a benign effect of the variant on protein function. The observed variant frequency of 0.00049 (136/277134 chrs) is approximately 8.083 fold of the estimated maximal expected allele frequency for a pathogenic variant in MRE11A causing Hereditary Breast and Ovarian Cancer phenotype (6.3e-05), strongly suggesting that the variant is benign. The c.1480G>A has been reported in the literature in individuals affected with Hereditary Breast and Ovarian Cancer. These report(s) do not provide unequivocal conclusions about association of the variant with Hereditary Breast and Ovarian Cancer. To our knowledge, no experimental evidence demonstrating an impact on protein function has been reported. Three clinical diagnostic laboratories have submitted clinical-significance assessments for this variant to ClinVar after 2014 without evidence for independent evaluation. All laboratories classified the variant as uncertain significance. Based on the evidence outlined above, the variant was classified as benign.

Illumina Laboratory Services, Illumina
Classification: Uncertain significance for Ataxia-telangiectasia-like disorder 1. Last evaluated: 2017-04-27. Review status: criteria provided, single submitter. Criteria: ICSL Variant Classification Criteria 13 December 2019. Collection method: clinical testing. Allele origin: germline.
Comment: This variant was observed as part of a predisposition screen in an ostensibly healthy population. A literature search was performed for the gene, cDNA change, and amino acid change (where applicable). Publications were found based on this search. However, the evidence from the literature, in combination with allele frequency data from public databases where available, was not sufficient to rule this variant in or out of causing disease. Therefore, this variant is classified as a variant of unknown significance.

Counsyl
Classification: Uncertain significance for Ataxia-telangiectasia-like disorder 1. Last evaluated: 2017-12-18. Review status: no assertion criteria provided. Collection method: clinical testing. Allele origin: unknown. Not counted in ClinVar's aggregate classification.

Harris Lab, University of Minnesota
No classification provided. Review status: no classification provided. Collection method: not provided. Allele origin: unknown. Not counted in ClinVar's aggregate classification.

Literature cited by the submitters: PubMed 25452441 (cited by 5 submitters); PubMed 26898890 (cited by 4 submitters); PubMed 20805886 (cited by Sema4 and Illumina Laboratory Services, Illumina).